The following is an entry in ClinVar:

NM_139321.3(ATRN):c.2017T>C (p.Ser673Pro)

Gene: ATRN (attractin; plus strand). Cytogenetic location: 20p13.
Variant type: single nucleotide variant.
Coding change: c.2017T>C on transcript NM_139321.3 (MANE Select); coding-DNA position 2017, T replaced by C.
Protein change: p.Ser673Pro; replaces serine 673 with proline.
Molecular consequence: missense variant.
Genome position (GRCh38, 1-based): chr20:3,572,876, T>C. VCF-style: chr20-3572876-T-C. GRCh37 (hg19) VCF-style: chr20-3553523-T-C.
Other names: c.1669T>C, p.Ser557Pro (NM_001207047.3); c.2017T>C, p.Ser673Pro (NM_001323332.2, NM_139322.4); short protein forms S673P, S557P.
Identifiers: ClinVar variation 1938459 (VCV001938459.5), dbSNP rs2514550489, ClinGen allele CA408093037.
Genomic context (GRCh38, chr20:3,572,876, plus strand): 5'-AGTGAAGCCGCTTGTTTAGCAGCAGGACCTGGTATTCGGTGTGTGTGGAACACAGGGTCG[T>C]CTCAGTGTATCTCGTGGGCGCTGGCAACTGATGAACAAGAAGAAAAGTTAAAATCAGAAT-3'
Protein context (NP_647537.1, residues 663-683): GIRCVWNTGS[Ser673Pro]QCISWALATD

ClinVar aggregate classification (germline): Uncertain significance (1 of 4 stars; one submission).

Submission:

Labcorp Genetics (formerly Invitae), Labcorp
Classification: Uncertain significance. Last evaluated: 2022-05-05. Review status: criteria provided, single submitter. Criteria: Invitae Variant Classification Sherloc (09022015). Collection method: clinical testing. Allele origin: germline.
Comment: In summary, the available evidence is currently insufficient to determine the role of this variant in disease. Therefore, it has been classified as a Variant of Uncertain Significance. Algorithms developed to predict the effect of missense changes on protein structure and function (SIFT, PolyPhen-2, Align-GVGD) all suggest that this variant is likely to be tolerated. This variant has not been reported in the literature in individuals affected with ATRN-related conditions. This variant is not present in population databases (gnomAD no frequency). This sequence change replaces serine, which is neutral and polar, with proline, which is neutral and non-polar, at codon 673 of the ATRN protein (p.Ser673Pro).